The following is an entry in ClinVar:

NM_000535.7(PMS2):c.2143C>T (p.His715Tyr)

Gene: PMS2 (PMS1 homolog 2, mismatch repair system component; minus strand). Cytogenetic location: 7p22.1.
Variant type: single nucleotide variant.
Coding change: c.2143C>T on transcript NM_000535.7 (MANE Select); coding-DNA position 2143, C replaced by T.
Protein change: p.His715Tyr; replaces histidine 715 with tyrosine.
Molecular consequence: missense variant. On other transcripts: non-coding transcript variant (1).
Genome position (GRCh38, 1-based): chr7:5,982,855, G>A on the plus strand (C>T on the coding strand, the complement: PMS2 is on the minus strand). VCF-style: chr7-5982855-G-A. GRCh37 (hg19) VCF-style: chr7-6022486-G-A.
Other names: c.1738C>T, p.His580Tyr (NM_001322003.2, NM_001322004.2, NM_001322005.2 and 1 more transcripts); c.1987C>T, p.His663Tyr (NM_001322006.2); c.1825C>T, p.His609Tyr (NM_001322007.2, NM_001322008.2); c.1582C>T, p.His528Tyr (NM_001322010.2); c.1210C>T, p.His404Tyr (NM_001322011.2, NM_001322012.2); c.1570C>T, p.His524Tyr (NM_001322013.2); c.2143C>T, p.His715Tyr (NM_001322014.2); c.1834C>T, p.His612Tyr (NM_001322015.2); short protein forms H715Y, H528Y, H609Y, H612Y, H404Y, H524Y, H663Y, H580Y.
Identifiers: ClinVar variation 455684 (VCV000455684.17), dbSNP rs747494931, ClinGen allele CA046703.

ClinVar aggregate classification (germline): Uncertain significance. Review status: criteria provided, multiple submitters, no conflicts (2 of 4 stars). 4 submissions from 4 submitters: Uncertain significance (4). Last evaluated 2025-10-27.

Conditions:
Lynch syndrome 4 (LYNCH4). Also called: Colorectal cancer, hereditary nonpolyposis, type 4; Hereditary non-polyposis colorectal cancer, type 4. Identifiers: Orphanet 144, MedGen C1838333, MONDO:0013699, OMIM 614337. Disease mechanism: loss of function.
Mismatch repair cancer syndrome 4. Identifiers: MedGen C5436817, MONDO:0030843, OMIM 619101.
Hereditary nonpolyposis colorectal neoplasms. Identifiers: MedGen C0009405, MeSH D003123.
Hereditary cancer-predisposing syndrome. Also called: Hereditary Cancer Syndrome; Hereditary neoplastic syndrome; Neoplastic Syndromes, Hereditary; Tumor predisposition. Identifiers: Orphanet 140162, MedGen C0027672, MeSH D009386, MONDO:0015356.

Allele frequency attached by ClinVar (database versions not stated): ExAC below 0.00001; TOPMed below 0.00001; gnomAD exomes 0.00001.
gnomAD v4.1: 8 of 1,608,516 alleles (0.0005%); highest among the groups gnomAD compares: Non-Finnish European, 0.00059%; no homozygotes.

Submissions (4):

Labcorp Genetics (formerly Invitae), Labcorp
Classification: Uncertain significance for Hereditary nonpolyposis colorectal neoplasms. Last evaluated: 2025-10-27. Review status: criteria provided, single submitter. Criteria: Invitae Variant Classification Sherloc (09022015). Collection method: clinical testing. Allele origin: germline.
Comment: This sequence change replaces histidine, which is basic and polar, with tyrosine, which is neutral and polar, at codon 715 of the PMS2 protein (p.His715Tyr). The frequency data for this variant in the population databases (gnomAD) is considered unreliable due to the presence of homologous sequence, such as pseudogenes or paralogs, in the genome. This missense change has been observed in individual(s) with ovarian cancer (PMID: 37534630). ClinVar contains an entry for this variant (Variation ID: 455684). Invitae Evidence Modeling incorporating data from in vitro experimental studies (internal data) indicates that this missense variant is not expected to disrupt PMS2 function with a negative predictive value of 95%. In summary, the available evidence is currently insufficient to determine the role of this variant in disease. Therefore, it has been classified as a Variant of Uncertain Significance.

Ambry Genetics
Classification: Uncertain significance for Hereditary cancer-predisposing syndrome. Last evaluated: 2024-12-09. Review status: criteria provided, single submitter. Criteria: Ambry Variant Classification Scheme 2023. Collection method: clinical testing. Allele origin: germline.
Comment: The p.H715Y variant (also known as c.2143C>T), located in coding exon 12 of the PMS2 gene, results from a C to T substitution at nucleotide position 2143. The histidine at codon 715 is replaced by tyrosine, an amino acid with similar properties. This amino acid position is well conserved in available vertebrate species. In addition, the in silico prediction for this alteration is inconclusive. Since supporting evidence is limited at this time, the clinical significance of this alteration remains unclear.

Fulgent Genetics
Classification: Uncertain significance for Lynch syndrome 4; Mismatch repair cancer syndrome 4. Last evaluated: 2021-10-13. Review status: criteria provided, single submitter. Criteria: ACMG Guidelines, 2015. Collection method: clinical testing. Allele origin: unknown.

Division of Medical Genetics, University of Washington
Classification: Uncertain significance for Lynch syndrome 4. Last evaluated: 2019-10-04. Review status: criteria provided, single submitter. Criteria: ACMG Guidelines, 2015. Collection method: clinical testing. Allele origin: germline. Affected: no. Study: CSER_CHARM.
Comment: To our knowledge, this sequence variant has not been previously reported in the literature. This variant is not present in population databases. In silico analyses indicate this is an evolutionarily conserved residue. Thus, it is unknown at this time whether this variant increases cancer risk. PM2; PP3

Literature cited by the submitters: PubMed 37534630 (cited by Labcorp Genetics (formerly Invitae), Labcorp).